The following is an entry in ClinVar:

NM_000452.3(SLC10A2):c.968C>T (p.Pro323Leu)

Gene: SLC10A2 (solute carrier family 10 member 2; minus strand). Cytogenetic location: 13q33.1.
Variant type: single nucleotide variant.
Coding change: c.968C>T on transcript NM_000452.3 (MANE Select); coding-DNA position 968, C replaced by T.
Protein change: p.Pro323Leu; replaces proline 323 with leucine.
Molecular consequence: missense variant.
Genome position (GRCh38, 1-based): chr13:103,046,212, G>A on the plus strand (C>T on the coding strand, the complement: SLC10A2 is on the minus strand). VCF-style: chr13-103046212-G-A. GRCh37 (hg19) VCF-style: chr13-103698562-G-A.
Other names: short protein forms P323L.
Identifiers: ClinVar variation 2018683 (VCV002018683.4), dbSNP rs2501805452, ClinGen allele CA388605148.

ClinVar aggregate classification (germline): Uncertain significance (1 of 4 stars; one submission).

Allele frequency attached by ClinVar (database versions not stated): gnomAD exomes below 0.00001.

Submission:

Labcorp Genetics (formerly Invitae), Labcorp
Classification: Uncertain significance. Last evaluated: 2022-08-29. Review status: criteria provided, single submitter. Criteria: Invitae Variant Classification Sherloc (09022015). Collection method: clinical testing. Allele origin: germline.
Comment: In summary, the available evidence is currently insufficient to determine the role of this variant in disease. Therefore, it has been classified as a Variant of Uncertain Significance. Algorithms developed to predict the effect of missense changes on protein structure and function output the following: SIFT: "Tolerated"; PolyPhen-2: "Benign"; Align-GVGD: "Class C0". The leucine amino acid residue is found in multiple mammalian species, which suggests that this missense change does not adversely affect protein function. This variant has not been reported in the literature in individuals affected with SLC10A2-related conditions. This variant is not present in population databases (gnomAD no frequency). This sequence change replaces proline, which is neutral and non-polar, with leucine, which is neutral and non-polar, at codon 323 of the SLC10A2 protein (p.Pro323Leu).